The following is an entry in ClinVar:

ClinVar aggregate classification (germline): Likely pathogenic. Review status: criteria provided, multiple submitters, no conflicts (2 of 4 stars). 2 submissions from 2 submitters: Likely pathogenic (2). Last evaluated 2022-12-22.

Conditions:
FOXP3-related disorder. Also called: FOXP3-related condition.

Submissions (2):

Blueprint Genetics
Classification: Likely pathogenic for FOXP3-related disorders. Last evaluated: 2022-12-22. Review status: criteria provided, single submitter. Criteria: ACMG Guidelines, 2015. Collection method: clinical testing. Allele origin: germline. Affected: yes. Observed: 2 variant alleles.

GeneDx
Classification: Likely pathogenic. Last evaluated: 2016-11-11. Review status: criteria provided, single submitter. Criteria: GeneDx Variant Classification (06012015). Collection method: clinical testing. Allele origin: germline. Affected: yes.
Comment: The M370V variant in the FOXP3 gene has not been reported previously as a pathogenic variant, nor as a benign variant, to our knowledge. The M370V variant was not observed in approximately 6,500 individuals of European and African American ancestry in the NHLBI Exome Sequencing Project, indicating it is not a common benign variant in these populations. The M370V variant is a conservative amino acid substitution, which is not likely to impact secondary protein structure as these residues share similar properties. This substitution occurs at a position that is not conserved. In silico analysis is inconsistent in its predictions as to whether or not the variant is damaging to the protein structure/function. However, missense variants in the same and nearby residues (F367L, F367C, F367L, M370I, F371C, F374C) have been reported in the Human Gene Mutation Database in association with IPEX syndrome (Stenson et al., 2014), supporting the functional importance of this region of the protein. The M370V variant is a strong candidate for a pathogenic variant, however the possibility it may be a rare benign variant cannot be excluded.

NM_014009.4(FOXP3):c.1108A>G (p.Met370Val)

Gene: FOXP3 (forkhead box P3; minus strand). Cytogenetic location: Xp11.23.
Variant type: single nucleotide variant.
Coding change: c.1108A>G on transcript NM_014009.4 (MANE Select); coding-DNA position 1108, A replaced by G.
Protein change: p.Met370Val; replaces methionine 370 with valine.
Molecular consequence: missense variant.
Genome position (GRCh38, 1-based): chrX:49,251,702, T>C on the plus strand (A>G on the coding strand, the complement: FOXP3 is on the minus strand). VCF-style: chrX-49251702-T-C. GRCh37 (hg19) VCF-style: chrX-49108163-T-C.
Other names: c.1003A>G, p.Met335Val (NM_001114377.2); short protein forms M370V, M335V.
Identifiers: ClinVar variation 373204 (VCV000373204.2), dbSNP rs1057518281, ClinGen allele CA16043289.
Genomic context (GRCh38, chrX:49,251,702, plus strand): 5'-CCGCCACCTCAGAGGAGCTCACCTTCCAGGTGGCAGGATGGTTTCTGAAGAAGGCAAACA[T>C]GCGTGTGAACCAGTGGTAGATCTCATTGAGTGTCCGCTGCTTCTCTGGAGCCTCCAGGAT-3'
Protein context (NP_054728.2, residues 360-380): LNEIYHWFTR[Met370Val]FAFFRNHPAT